The following is an entry in ClinVar:

NM_004553.6(NDUFS6):c.15G>A (p.Met5Ile)

Genes: MRPL36 (mitochondrial ribosomal protein L36; minus strand), NDUFS6 (NADH:ubiquinone oxidoreductase subunit S6; plus strand). Cytogenetic location: 5p15.33.
Variant type: single nucleotide variant.
Coding change: c.15G>A on transcript NM_004553.6 (MANE Select); coding-DNA position 15, G replaced by A.
Protein change: p.Met5Ile; replaces methionine 5 with isoleucine.
Molecular consequence: missense variant.
Genome position (GRCh38, 1-based): chr5:1,801,432, G>A. VCF-style: chr5-1801432-G-A. GRCh37 (hg19) VCF-style: chr5-1801546-G-A.
Other names: c.15G>A (NM_004553.4); short protein forms M5I.
Identifiers: ClinVar variation 2153173 (VCV002153173.4), dbSNP rs374411074, ClinGen allele CA3187512.

ClinVar aggregate classification (germline): Conflicting classifications of pathogenicity. Review status: criteria provided, conflicting classifications (1 of 4 stars). 3 submissions from 3 submitters: Uncertain significance (2); Likely benign (1). Last evaluated 2024-12-09.

Conditions:
Inborn genetic diseases. Identifiers: MedGen C0950123, MeSH D030342.
Mitochondrial complex I deficiency, nuclear type 9. Also called: Mitochondrial complex 1 deficiency, nuclear type 9. Identifiers: MedGen C4748767, MONDO:0032615, OMIM 618232.

Allele frequency attached by ClinVar (database versions not stated): ExAC 0.00001; gnomAD exomes 0.00001; TOPMed 0.00006; gnomAD 0.00007; 1000 Genomes Project 30x 0.00016.
gnomAD v4.1: 41 of 1,605,202 alleles (0.0026%); highest among the groups gnomAD compares: African/African-American, 0.031%; no homozygotes.

Submissions (3):

Labcorp Genetics (formerly Invitae), Labcorp
Classification: Uncertain significance. Last evaluated: 2024-12-09. Review status: criteria provided, single submitter. Criteria: Invitae Variant Classification Sherloc (09022015). Collection method: clinical testing. Allele origin: germline.
Comment: This sequence change replaces methionine, which is neutral and non-polar, with isoleucine, which is neutral and non-polar, at codon 5 of the NDUFS6 protein (p.Met5Ile). This variant is present in population databases (rs374411074, gnomAD 0.02%). This variant has not been reported in the literature in individuals affected with NDUFS6-related conditions. ClinVar contains an entry for this variant (Variation ID: 2153173). An algorithm developed to predict the effect of missense changes on protein structure and function (PolyPhen-2) suggests that this variant¬†is likely to be tolerated. In summary, the available evidence is currently insufficient to determine the role of this variant in disease. Therefore, it has been classified as a Variant of Uncertain Significance.

3billion
Classification: Likely benign for Mitochondrial complex I deficiency, nuclear type 9. Last evaluated: 2024-09-20. Review status: criteria provided, single submitter. Criteria: ACMG Guidelines, 2015. Collection method: clinical testing. Allele origin: germline. Affected: no.
Comment: The homozygous variant was found in patients diagnosed with another variant in a different gene, with no symptoms related to the gene containing the homozygous variant.

Ambry Genetics
Classification: Uncertain significance for Inborn genetic diseases. Last evaluated: 2024-07-22. Review status: criteria provided, single submitter. Criteria: Ambry Variant Classification Scheme 2023. Collection method: clinical testing. Allele origin: germline.